The following is an entry in ClinVar:

NM_024426.6(WT1):c.512G>T (p.Gly171Val)

Genes: WT1 (WT1 transcription factor; minus strand), LOC107982234 (WT1/WT1-AS bi-directional promoter region; plus strand). Cytogenetic location: 11p13.
Variant type: single nucleotide variant.
Coding change: c.512G>T on transcript NM_024426.6 (MANE Select); coding-DNA position 512, G replaced by T.
Protein change: p.Gly171Val; replaces glycine 171 with valine.
Molecular consequence: missense variant. On other transcripts: non-coding transcript variant (1).
Genome position (GRCh38, 1-based): chr11:32,434,849, C>A on the plus strand (G>T on the coding strand, the complement: WT1 is on the minus strand). VCF-style: chr11-32434849-C-A. GRCh37 (hg19) VCF-style: chr11-32456395-C-A.
Other names: c.512G>T, p.Gly171Val (NM_000378.6, NM_024424.5); short protein forms G171V.
Identifiers: ClinVar variation 438653 (VCV000438653.10), dbSNP rs1554946480, ClinGen allele CA379964820.
Genomic context (GRCh38, chr11:32,434,849, plus strand): 5'-CTGGGCGGAGGAGGACCGAAGGGCCCGTAGCGACAGGCTCCGGCTGTGCCAGTGAACTGG[C>A]CGGAAAAGTGGACAGTGAAGGCGCTCAGGCACTGCTCCTCGTGCGGCTCCGCGCCGCCCC-3'
Protein context (NP_077744.4, residues 161-181): CLSAFTVHFS[Gly171Val]QFTGTAGACR

ClinVar aggregate classification (germline): Pathogenic. Review status: criteria provided, single submitter (1 of 4 stars). 2 submissions from 2 submitters: Pathogenic (1). 1 of the submissions does not count toward it. Last evaluated 2025-08-21.

Conditions:
Nephrotic syndrome, type 4 (NPHS4). Also called: Familial mesangial sclerosis; Nephrotic syndrome, early onset with diffuse mesangial sclerosis. Identifiers: Orphanet 656, MedGen C3151568, MONDO:0009733, OMIM 256370.
Drash syndrome (DDS). Also called: NEPHROPATHY, WILMS TUMOR, AND GENITAL ANOMALIES; WILMS TUMOR AND PSEUDO- OR TRUE HERMAPHRODITISM. Identifiers: Orphanet 220, MedGen C0950121, MONDO:0008682, OMIM 194080.
Frasier syndrome. Identifiers: Orphanet 347, MedGen C0950122, MeSH D052159, MONDO:0007635, OMIM 136680.
Wilms tumor 1 (WT1). Also called: Wilms tumor, somatic. Identifiers: Orphanet 654, MedGen CN033288, MONDO:0008679, OMIM 194070.
11p partial monosomy syndrome (WAGR). Also called: WAGR Complex; WAGR Spectrum Disorder; CHROMOSOME 11p13 DELETION SYNDROME; WAGR syndrome. Identifiers: Orphanet 893, MedGen C0206115, MONDO:0008681, OMIM 194072.

Submissions (2):

Labcorp Genetics (formerly Invitae), Labcorp
Classification: Pathogenic for Wilms tumor 1; Drash syndrome; 11p partial monosomy syndrome; Frasier syndrome. Last evaluated: 2025-08-21. Review status: criteria provided, single submitter. Criteria: Invitae Variant Classification Sherloc (09022015). Collection method: clinical testing. Allele origin: germline.
Comment: This sequence change replaces glycine, which is neutral and non-polar, with valine, which is neutral and non-polar, at codon 166 of the WT1 protein (p.Gly166Val). This variant is not present in population databases (gnomAD no frequency). This missense change has been observed in individual(s) with WT1-related disorders (PMID: 35755072, 37576146; internal data). In at least one individual the variant was observed to be de novo. This variant is also known as c.512G>T p.G171V. ClinVar contains an entry for this variant (Variation ID: 438653). Invitae Evidence Modeling of protein sequence and biophysical properties (such as structural, functional, and spatial information, amino acid conservation, physicochemical variation, residue mobility, and thermodynamic stability) indicates that this missense variant is expected to disrupt WT1 protein function with a positive predictive value of 80%. For these reasons, this variant has been classified as Pathogenic.

Bioscientia Institut fuer Medizinische Diagnostik GmbH, Sonic Healthcare
Classification: Uncertain significance for Nephrotic syndrome, type 4. Last evaluated: 2017-04-20. Review status: no assertion criteria provided. Collection method: clinical testing. Allele origin: germline. Affected: yes. Not counted in ClinVar's aggregate classification.

Literature cited by the submitters: PubMed 35755072 (cited by Labcorp Genetics (formerly Invitae), Labcorp); PubMed 37576146 (cited by Labcorp Genetics (formerly Invitae), Labcorp).